The following is an entry in ClinVar:

NM_018139.3(DNAAF2):c.2239G>C (p.Glu747Gln)

Gene: DNAAF2 (dynein axonemal assembly factor 2; minus strand). Cytogenetic location: 14q21.3.
Variant type: single nucleotide variant.
Coding change: c.2239G>C on transcript NM_018139.3 (MANE Select); coding-DNA position 2239, G replaced by C.
Protein change: p.Glu747Gln; replaces glutamic acid 747 with glutamine.
Molecular consequence: missense variant.
Genome position (GRCh38, 1-based): chr14:49,625,817, C>G on the plus strand (G>C on the coding strand, the complement: DNAAF2 is on the minus strand). VCF-style: chr14-49625817-C-G. GRCh37 (hg19) VCF-style: chr14-50092535-C-G.
Other names: c.2095G>C, p.Glu699Gln (NM_001083908.2); c.28G>C, p.Glu10Gln (NM_001378453.1); short protein forms E699Q, E747Q, E10Q.
Identifiers: ClinVar variation 5035421 (VCV005035421.1).
Genomic context (GRCh38, chr14:49,625,817, plus strand): 5'-TTTCCTCATTTGAACAAGTAGCACTTTTTTCTTTTATAAATTCAGATTGCATTTTTGACT[C>G]AGGTTGCTGAGATTTTCCAAGTATCATTTGAGAAACATCAAGAGACTCTTGTTGAAAGCA-3'
Protein context (NP_060609.2, residues 737-757): QMILGKSQQP[Glu747Gln]SKMQSEFIKE

ClinVar aggregate classification (germline): Uncertain significance (1 of 4 stars; one submission).

Conditions:
Primary ciliary dyskinesia. Also called: Ciliary dyskinesia. Identifiers: Orphanet 244, MedGen C0008780, MONDO:0016575, HP:0012265.

Submission:

Ambry Genetics
Classification: Uncertain significance for Primary ciliary dyskinesia. Last evaluated: 2026-08-16. Review status: criteria provided, single submitter. Criteria: Ambry Variant Classification Scheme 2023. Collection method: clinical testing. Allele origin: germline.
Comment: The p.E747Q variant (also known as c.2239G>C), located in coding exon 3 of the DNAAF2 gene, results from a G to C substitution at nucleotide position 2239. The glutamic acid at codon 747 is replaced by glutamine, an amino acid with highly similar properties. This amino acid position is conserved. In addition, this alteration is predicted to be tolerated by in silico analysis. Based on the available evidence, the clinical significance of this variant remains unclear.